The following is an entry in ClinVar:

ClinVar aggregate classification (germline): Uncertain significance (1 of 4 stars; one submission).

Conditions:
Medulloblastoma (MDB). Also called: MEDULLOBLASTOMA PREDISPOSITION SYNDROME; Medulloblastoma, somatic. Identifiers: Orphanet 616, MedGen C0025149, MeSH D008527, MONDO:0007959, OMIM 155255, HP:0002885.
Gorlin syndrome. Also called: Basal cell nevus syndrome; Nevoid Basal Cell Carcinoma Syndrome. Identifiers: Orphanet 377, MedGen C0004779, MONDO:0007187.

Submission:

Labcorp Genetics (formerly Invitae), Labcorp
Classification: Uncertain significance for Gorlin syndrome; Medulloblastoma. Last evaluated: 2022-06-10. Review status: criteria provided, single submitter. Criteria: Invitae Variant Classification Sherloc (09022015). Collection method: clinical testing. Allele origin: germline.
Comment: In summary, the available evidence is currently insufficient to determine the role of this variant in disease. Therefore, it has been classified as a Variant of Uncertain Significance. Algorithms developed to predict the effect of missense changes on protein structure and function (SIFT, PolyPhen-2, Align-GVGD) all suggest that this variant is likely to be tolerated. This variant has not been reported in the literature in individuals affected with SUFU-related conditions. This variant is not present in population databases (gnomAD no frequency). This sequence change replaces glutamic acid, which is acidic and polar, with glycine, which is neutral and non-polar, at codon 106 of the SUFU protein (p.Glu106Gly).

NM_016169.4(SUFU):c.317A>G (p.Glu106Gly)

Gene: SUFU (SUFU negative regulator of hedgehog signaling; plus strand). Cytogenetic location: 10q24.32.
Variant type: single nucleotide variant.
Coding change: c.317A>G on transcript NM_016169.4 (MANE Select); coding-DNA position 317, A replaced by G.
Protein change: p.Glu106Gly; replaces glutamic acid 106 with glycine.
Molecular consequence: missense variant.
Genome position (GRCh38, 1-based): chr10:102,509,303, A>G. VCF-style: chr10-102509303-A-G. GRCh37 (hg19) VCF-style: chr10-104269060-A-G.
Other names: c.317A>G, p.Glu106Gly (NM_001178133.2); short protein forms E106G.
Identifiers: ClinVar variation 2004141 (VCV002004141.4), dbSNP rs2544846336, ClinGen allele CA377889277.
Genomic context (GRCh38, chr10:102,509,303, plus strand): 5'-AGCACTGGCACTACATCAGCTTCGGCCTGAGTGATCTCTATGGTGACAACAGAGTCCATG[A>G]GTGAGTATATGCCACCTGTTCTTTATCCAGAGCCTTATTCCTGAGGTCTTCCTGAGCAGG-3'
Protein context (NP_057253.2, residues 96-116): SDLYGDNRVH[Glu106Gly]FTGTDGPSGF